The following is an entry in ClinVar:

ClinVar aggregate classification (germline): Uncertain significance (1 of 4 stars; one submission).

Submission:

Labcorp Genetics (formerly Invitae), Labcorp
Classification: Uncertain significance. Last evaluated: 2022-04-18. Review status: criteria provided, single submitter. Criteria: Invitae Variant Classification Sherloc (09022015). Collection method: clinical testing. Allele origin: germline.
Comment: In summary, the available evidence is currently insufficient to determine the role of this variant in disease. Therefore, it has been classified as a Variant of Uncertain Significance. Advanced modeling of protein sequence and biophysical properties (such as structural, functional, and spatial information, amino acid conservation, physicochemical variation, residue mobility, and thermodynamic stability) performed at Invitae indicates that this missense variant is expected to disrupt ABCA4 protein function. This missense change has been observed in individual(s) with clinical features of ABCA4-related conditions (PMID: 26551331; Invitae). This variant is not present in population databases (gnomAD no frequency). This sequence change replaces serine, which is neutral and polar, with proline, which is neutral and non-polar, at codon 2235 of the ABCA4 protein (p.Ser2235Pro).

Literature cited by the submitters: PubMed 26551331.

NM_000350.3(ABCA4):c.6703T>C (p.Ser2235Pro)

Gene: ABCA4 (ATP binding cassette subfamily A member 4; minus strand). Cytogenetic location: 1p22.1.
Variant type: single nucleotide variant.
Coding change: c.6703T>C on transcript NM_000350.3 (MANE Select); coding-DNA position 6703, T replaced by C.
Protein change: p.Ser2235Pro; replaces serine 2235 with proline.
Molecular consequence: missense variant.
Genome position (GRCh38, 1-based): chr1:93,997,887, A>G on the plus strand (T>C on the coding strand, the complement: ABCA4 is on the minus strand). VCF-style: chr1-93997887-A-G. GRCh37 (hg19) VCF-style: chr1-94463443-A-G.
Other names: c.6481T>C, p.Ser2161Pro (NM_001425324.1); short protein forms S2235P, S2161P.
Identifiers: ClinVar variation 2123479 (VCV002123479.4), dbSNP rs1000816748, ClinGen allele CA341276271.